The following is an entry in ClinVar:

ClinVar aggregate classification (germline): Pathogenic/Likely pathogenic. Review status: criteria provided, multiple submitters, no conflicts (2 of 4 stars). 4 submissions from 4 submitters: Pathogenic (2); Likely pathogenic (1). 1 of the submissions does not count toward it. Last evaluated 2024-02-29.

Conditions:
Glycogen storage disease type III (GSD3). Also called: FORBES DISEASE; Cori disease. Identifiers: Orphanet 366, MedGen C0017922, MONDO:0009291, OMIM 232400.

Allele frequency attached by ClinVar (database versions not stated): gnomAD exomes below 0.00001; gnomAD 0.00001; TOPMed 0.00002.

Submissions (4):

Labcorp Genetics (formerly Invitae), Labcorp
Classification: Pathogenic for Glycogen storage disease type III. Last evaluated: 2024-02-29. Review status: criteria provided, single submitter. Criteria: Invitae Variant Classification Sherloc (09022015). Collection method: clinical testing. Allele origin: germline.
Comment: This sequence change creates a premature translational stop signal (p.Tyr1117*) in the AGL gene. It is expected to result in an absent or disrupted protein product. Loss-of-function variants in AGL are known to be pathogenic (PMID: 19299494). This variant is present in population databases (no rsID available, gnomAD 0.007%). This variant has not been reported in the literature in individuals affected with AGL-related conditions. ClinVar contains an entry for this variant (Variation ID: 558267). For these reasons, this variant has been classified as Pathogenic.

Illumina Laboratory Services, Illumina
Classification: Pathogenic for Glycogen storage disease type III. Last evaluated: 2023-11-03. Review status: criteria provided, single submitter. Criteria: ICSLVariantClassificationCriteria RUGD 01 April 2020. Collection method: clinical testing. Allele origin: unknown.
Comment: The AGL c.3350dup p.(Tyr1117Ter) nonsense variant results in the loss of normal protein function through either protein truncation or nonsense-mediated mRNA decay. To our knowledge, this variant has not been reported in the peer-reviewed literature. The c.3350dup variant is not observed at a significant frequency in version 2.1.1 or version 4.0.0 of the Genome Aggregation Database. Based on the available evidence, the c.3350dup p.(Tyr1117Ter) variant is classified as pathogenic for glycogen storage disease type III.

Baylor Genetics
Classification: Likely pathogenic for Glycogen storage disease type III. Last evaluated: 2023-06-07. Review status: criteria provided, single submitter. Criteria: ACMG Guidelines, 2015. Collection method: clinical testing. Allele origin: unknown.

Counsyl
Classification: Likely pathogenic for Glycogen storage disease type III. Last evaluated: 2018-05-11. Review status: no assertion criteria provided. Collection method: clinical testing. Allele origin: unknown. Not counted in ClinVar's aggregate classification.

Literature cited by the submitters: PubMed 19299494 (cited by Labcorp Genetics (formerly Invitae), Labcorp).

NM_000642.3(AGL):c.3350dup (p.Tyr1117Ter)

Gene: AGL (amylo-alpha-1,6-glucosidase and 4-alpha-glucanotransferase; plus strand). Cytogenetic location: 1p21.2.
Variant type: Duplication.
Coding change: c.3350dup on transcript NM_000642.3 (MANE Select); coding-DNA position 3350, one base duplicated (A; older notation c.3350dupA).
Protein change: p.Tyr1117Ter; replaces tyrosine 1117 with a stop codon.
Molecular consequence: nonsense. On other transcripts: frameshift variant (10).
Genome position (GRCh38, 1-based): chr1:99,896,376, A duplicated. VCF-style (leftmost placement, unchanged base first): chr1-99896375-T-TA. GRCh37 (hg19) VCF-style: chr1-100361931-T-TA.
Other names: c.3350dup, p.Tyr1117Terfs (NM_000028.3, NM_000643.3, NM_000644.3 and 1 more transcripts); c.3302dup, p.Tyr1101Terfs (NM_000646.3); c.3329dup, p.Tyr1110Terfs (NM_001425326.1); c.3149dup, p.Tyr1050Terfs (NM_001425327.1); c.3146dup, p.Tyr1049Terfs (NM_001425328.1); c.3011dup, p.Tyr1004Terfs (NM_001425329.1); c.2972dup, p.Tyr991Terfs (NM_001425332.1); c.3350dup (NM_000642.2); and 1 more; short protein forms Y1101*, Y1117*.
Identifiers: ClinVar variation 558267 (VCV000558267.7), dbSNP rs1432024176, ClinGen allele CA524709171.